The following is an entry in ClinVar:

ClinVar aggregate classification (germline): Uncertain significance (1 of 4 stars; one submission).

Conditions:
Fanconi anemia complementation group O. Also called: RAD51C-Related Fanconi Anemia. Identifiers: Orphanet 84, MedGen C3150653, MONDO:0013248, OMIM 613390.

gnomAD v4.1: 1 of 1,613,238 alleles (0.000062%); highest among the groups gnomAD compares: Non-Finnish European, 0.000085%; no homozygotes.

Submission:

Labcorp Genetics (formerly Invitae), Labcorp
Classification: Uncertain significance for Fanconi anemia complementation group O. Last evaluated: 2019-06-27. Review status: criteria provided, single submitter. Criteria: Invitae Variant Classification Sherloc (09022015). Collection method: clinical testing. Allele origin: germline.
Comment: In summary, this variant is a novel missense change that is not predicted to affect protein function. There is no indication that it causes disease, but the available evidence is currently insufficient to prove that conclusively. Therefore, it has been classified as a Variant of Uncertain Significance. Algorithms developed to predict the effect of missense changes on protein structure and function (SIFT, PolyPhen-2, Align-GVGD) all suggest that this variant is likely to be tolerated, but these predictions have not been confirmed by published functional studies. This variant is not present in population databases (ExAC no frequency) and has not been reported in the literature in individuals with a RAD51C-related disease. This sequence change replaces serine with asparagine at codon 271 of the RAD51C protein (p.Ser271Asn). The serine residue is moderately conserved and there is a small physicochemical difference between serine and asparagine.

NM_058216.3(RAD51C):c.812G>A (p.Ser271Asn)

Gene: RAD51C (RAD51 paralog C; plus strand). Cytogenetic location: 17q22.
Variant type: single nucleotide variant.
Coding change: c.812G>A on transcript NM_058216.3 (MANE Select); coding-DNA position 812, G replaced by A.
Protein change: p.Ser271Asn; replaces serine 271 with asparagine.
Molecular consequence: missense variant. On other transcripts: non-coding transcript variant (1).
Genome position (GRCh38, 1-based): chr17:58,709,965, G>A. VCF-style: chr17-58709965-G-A. GRCh37 (hg19) VCF-style: chr17-56787326-G-A.
Other names: short protein forms S271N.
Identifiers: ClinVar variation 409855 (VCV000409855.10), dbSNP rs1060502596, ClinGen allele CA16615475.